The following is an entry in ClinVar:

ClinVar aggregate classification (germline): Uncertain significance (1 of 4 stars; one submission).

Conditions:
CHARGE syndrome (CHARGE). Also called: Hittner Hirsch Kreh syndrome; CHARGE ASSOCIATION--COLOBOMA, HEART ANOMALY, CHOANAL ATRESIA, RETARDATION, GENITAL AND EAR ANOMALIES; Coloboma, heart anomaly, choanal atresia, retardation, genital and ear anomalies; CHARGE association; Hall-Hittner syndrome. Identifiers: Orphanet 138, MedGen C0265354, MONDO:0008965.

Submission:

Labcorp Genetics (formerly Invitae), Labcorp
Classification: Uncertain significance for CHARGE syndrome. Last evaluated: 2023-03-23. Review status: criteria provided, single submitter. Criteria: Invitae Variant Classification Sherloc (09022015). Collection method: clinical testing. Allele origin: germline.
Comment: This sequence change replaces aspartic acid, which is acidic and polar, with glutamic acid, which is acidic and polar, at codon 1582 of the CHD7 protein (p.Asp1582Glu). This variant is not present in population databases (gnomAD no frequency). This variant has not been reported in the literature in individuals affected with CHD7-related conditions. Advanced modeling of protein sequence and biophysical properties (such as structural, functional, and spatial information, amino acid conservation, physicochemical variation, residue mobility, and thermodynamic stability) performed at Invitae indicates that this missense variant is not expected to disrupt CHD7 protein function. Algorithms developed to predict the effect of sequence changes on RNA splicing suggest that this variant may create or strengthen a splice site. In summary, the available evidence is currently insufficient to determine the role of this variant in disease. Therefore, it has been classified as a Variant of Uncertain Significance.

NM_017780.4(CHD7):c.4746T>G (p.Asp1582Glu)

Gene: CHD7 (chromodomain helicase DNA binding protein 7; plus strand). Cytogenetic location: 8q12.2.
Variant type: single nucleotide variant.
Coding change: c.4746T>G on transcript NM_017780.4 (MANE Select); coding-DNA position 4746, T replaced by G.
Protein change: p.Asp1582Glu; replaces aspartic acid 1582 with glutamic acid.
Molecular consequence: missense variant. On other transcripts: intron variant (1).
Genome position (GRCh38, 1-based): chr8:60,841,948, T>G. VCF-style: chr8-60841948-T-G. GRCh37 (hg19) VCF-style: chr8-61754507-T-G.
Other names: c.1717-20281T>G (NM_001316690.1); short protein forms D1582E.
Identifiers: ClinVar variation 3014228 (VCV003014228.3), dbSNP rs771978086, ClinGen allele CA371319305.
Genomic context (GRCh38, chr8:60,841,948, plus strand): 5'-CAGGCTCTACAGTGCAGTGAAGGAAGATGAGCTGATGGAGTTCTCAGACTTGGAAAGTGA[T>G]TCTGAAGAAAAGCCCTGTGCAAAGCCACGGCGTCCCCAGGATAAGTCACAGGGCTATGCA-3'
Protein context (NP_060250.2, residues 1572-1592): ELMEFSDLES[Asp1582Glu]SEEKPCAKPR